The following is an entry in ClinVar:

NM_000214.3(JAG1):c.822C>A (p.Gly274=)

Gene: JAG1 (jagged canonical Notch ligand 1; minus strand). Cytogenetic location: 20p12.2.
Variant type: single nucleotide variant.
Coding change: c.822C>A on transcript NM_000214.3 (MANE Select); coding-DNA position 822, C replaced by A.
Protein change: p.Gly274=; no amino-acid change (glycine 274 retained).
Molecular consequence: synonymous variant.
Genome position (GRCh38, 1-based): chr20:10,652,532, G>T on the plus strand (C>A on the coding strand, the complement: JAG1 is on the minus strand). VCF-style: chr20-10652532-G-T. GRCh37 (hg19) VCF-style: chr20-10633180-G-T.
Identifiers: ClinVar variation 3573379 (VCV003573379.2).

Conditions:
Arteriohepatic dysplasia. Also called: Alagille Syndrome. Identifiers: Orphanet 52, MedGen C0085280, MeSH D016738, MONDO:0007318.

Submission:

Gilbert/Spinner Lab, Children's Hospital of Philadelphia
No classification provided (evidence only). Condition: Alagille syndrome. Review status: no classification provided. Collection method: research. Allele origin: not applicable. Functional consequence: functionally_abnormal.
ClinVar note: "not provided" was previously submitted as the classification for the variant. However, the classification appeared to be based only on an observation of functional data so it was converted to no classification on 2025-07-30.